The following is an entry in ClinVar:

NM_001165963.4(SCN1A):c.4852G>T (p.Gly1618Cys)

Genes: SCN1A (sodium voltage-gated channel alpha subunit 1; minus strand), LOC102724058 (uncharacterized LOC102724058; plus strand). Cytogenetic location: 2q24.3.
Variant type: single nucleotide variant.
Coding change: c.4852G>T on transcript NM_001165963.4 (MANE Select); coding-DNA position 4852, G replaced by T.
Protein change: p.Gly1618Cys; replaces glycine 1618 with cysteine.
Molecular consequence: missense variant. On other transcripts: non-coding transcript variant (1).
Genome position (GRCh38, 1-based): chr2:165,994,146, C>A on the plus strand (G>T on the coding strand, the complement: SCN1A is on the minus strand). VCF-style: chr2-165994146-C-A. GRCh37 (hg19) VCF-style: chr2-166850656-C-A.
Other names: c.4768G>T, p.Gly1590Cys (NM_001165964.3, NM_001353957.2, NM_001353958.2); c.4852G>T, p.Gly1618Cys (NM_001202435.3, NM_001353948.2); c.4819G>T, p.Gly1607Cys (NM_001353949.2, NM_001353950.2, NM_001353951.2 and 2 more transcripts); c.4816G>T, p.Gly1606Cys (NM_001353954.2, NM_001353955.2); c.4765G>T, p.Gly1589Cys (NM_001353960.2); c.2410G>T, p.Gly804Cys (NM_001353961.2); short protein forms G1589C, G1590C, G1606C, G1607C, G1618C, G804C.
Identifiers: ClinVar variation 4884833 (VCV004884833.1).

ClinVar aggregate classification (germline): Uncertain significance (0 of 4 stars; one submission).

Conditions:
Severe myoclonic epilepsy in infancy (DRVT). Also called: SEVERE MYOCLONIC EPILEPSY OF INFANCY; Dravet syndrome; Epileptic encephalopathy, early infantile, 6 (Dravet syndrome); DEVELOPMENTAL AND EPILEPTIC ENCEPHALOPATHY 6A; Severe Myoclonic Epilepsy in Infancy (SMEI). Identifiers: Orphanet 33069, MedGen C0751122, MONDO:0100135, OMIM 607208.

Submission:

Hong-Tao Li Lab, Institute of Brain Science and Brain-inspired Research, Shandong First Medical University & Shandong Academy of Medical Sciences China
Classification: Uncertain significance for Severe myoclonic epilepsy in infancy. Review status: no assertion criteria provided. Collection method: research. Allele origin: germline. Inheritance: Autosomal dominant inheritance. Affected: yes. Observed: 1 variant allele, 1 heterozygote.
Comment: Observed in affected individuals from a Pakistani neurodevelopmental-disorder research cohort of 263 individuals. Classification assigned using the ACMG/AMP framework.